The following is an entry in ClinVar:

ClinVar aggregate classification (germline): Uncertain significance (1 of 4 stars; one submission).

Submission:

Ambry Genetics
Classification: Uncertain significance. Last evaluated: 2024-12-25. Review status: criteria provided, single submitter. Criteria: Ambry Variant Classification Scheme 2023. Collection method: clinical testing. Allele origin: germline.
Comment: The p.Q275H variant (also known as c.825G>C), located in coding exon 4 of the GALNT12 gene, results from a G to C substitution at nucleotide position 825. The glutamine at codon 275 is replaced by histidine, an amino acid with highly similar properties. This amino acid position is conserved. In addition, the in silico prediction for this alteration is inconclusive. Based on the available evidence, the clinical significance of this variant remains unclear.

NM_024642.5(GALNT12):c.825G>C (p.Gln275His)

Gene: GALNT12 (polypeptide N-acetylgalactosaminyltransferase 12; plus strand). Cytogenetic location: 9q22.33.
Variant type: single nucleotide variant.
Coding change: c.825G>C on transcript NM_024642.5 (MANE Select); coding-DNA position 825, G replaced by C.
Protein change: p.Gln275His; replaces glutamine 275 with histidine.
Molecular consequence: missense variant.
Genome position (GRCh38, 1-based): chr9:98,831,865, G>C. VCF-style: chr9-98831865-G-C. GRCh37 (hg19) VCF-style: chr9-101594147-G-C.
Other names: short protein forms Q275H.
Identifiers: ClinVar variation 3852659 (VCV003852659.1).
Genomic context (GRCh38, chr9:98,831,865, plus strand): 5'-GGTGATTGATGTGATCGACTGGAACACCTTCGAATACCTGGGGAACTCCGGGGAGCCCCA[G>C]ATCGGCGGTTTCGACTGGAGGCTGGTGTTCACGTGGCACACAGTTCCTGAGAGGGAGAGG-3'
Protein context (NP_078918.3, residues 265-285): FEYLGNSGEP[Gln275His]IGGFDWRLVF